The following is an entry in ClinVar:

ClinVar aggregate classification (germline): Likely benign (1 of 4 stars; one submission).

Conditions:
Glycogen storage disease due to muscle and heart glycogen synthase deficiency. Also called: GSD 0b; MUSCLE GLYCOGEN SYNTHASE DEFICIENCY. Identifiers: Orphanet 137625, MedGen C1969054, MONDO:0012693, OMIM 611556.

Allele frequency attached by ClinVar (database versions not stated): ExAC 0.00009; gnomAD exomes 0.00074; gnomAD 0.00095 and 0.00098; TOPMed 0.00134; 1000 Genomes Project 0.00100; 1000 Genomes Project 30x 0.00109.
gnomAD v4.1: 405 of 464,768 alleles (0.087%); highest among the groups gnomAD compares: Middle Eastern, 0.47%; no homozygotes.

Submission:

Illumina Laboratory Services, Illumina
Classification: Likely benign for Glycogen storage disease due to muscle and heart glycogen synthase deficiency. Last evaluated: 2018-01-13. Review status: criteria provided, single submitter. Criteria: ICSL Variant Classification Criteria 13 December 2019. Collection method: clinical testing. Allele origin: germline.
Comment: This variant was observed in the ICSL laboratory as part of a predisposition screen in an ostensibly healthy population. It had not been previously curated by ICSL or reported in the Human Gene Mutation Database (HGMD: prior to June 1st, 2018), and was therefore a candidate for classification through an automated scoring system. Utilizing variant allele frequency, disease prevalence and penetrance estimates, and inheritance mode, an automated score was calculated to assess if this variant is too frequent to cause the disease. Based on the score and internal cut-off values, a variant classified as likely benign is not then subjected to further curation. The score for this variant resulted in a classification of likely benign for this disease.

NM_002103.5(GYS1):c.*421A>G

Gene: GYS1 (glycogen synthase 1; minus strand). Cytogenetic location: 19q13.33.
Variant type: single nucleotide variant.
Coding change: c.*421A>G on transcript NM_002103.5 (MANE Select); 421 bases downstream of the stop codon, A replaced by G.
Molecular consequence: 3 prime UTR variant. On other transcripts: non-coding transcript variant (1).
Genome position (GRCh38, 1-based): chr19:48,968,867, T>C on the plus strand (A>G on the coding strand, the complement: GYS1 is on the minus strand). VCF-style: chr19-48968867-T-C. GRCh37 (hg19) VCF-style: chr19-49472124-T-C.
Other names: c.*421A>G (NM_001161587.2).
Identifiers: ClinVar variation 369277 (VCV000369277.6), dbSNP rs181566066, ClinGen allele CA9562651.
Genomic context (GRCh38, chr19:48,968,867, plus strand): 5'-GTGCCCCGGCTCTGGACTTGATCGCCCCATTCGCAGGGACACCACGTGGTTTCCAGAACT[T>C]GGTGGCCCGCATGCCGGGCCTGAGCGTGGCCTGCTCTGTATGCTGTAGAATTTGTAAGCC-3'